The following is an entry in ClinVar:

NM_006073.4(TRDN):c.1491T>A (p.Asp497Glu)

Gene: TRDN (triadin; minus strand). Cytogenetic location: 6q22.31.
Variant type: single nucleotide variant.
Coding change: c.1491T>A on transcript NM_006073.4 (MANE Select); coding-DNA position 1491, T replaced by A.
Protein change: p.Asp497Glu; replaces aspartic acid 497 with glutamic acid.
Molecular consequence: missense variant.
Genome position (GRCh38, 1-based): chr6:123,316,476, A>T on the plus strand (T>A on the coding strand, the complement: TRDN is on the minus strand). VCF-style: chr6-123316476-A-T. GRCh37 (hg19) VCF-style: chr6-123637621-A-T.
Other names: short protein forms D497E.
Identifiers: ClinVar variation 3900503 (VCV003900503.1).

ClinVar aggregate classification (germline): Uncertain significance (1 of 4 stars; one submission).

gnomAD v4.1: 6 of 1,610,444 alleles (0.00037%); highest among the groups gnomAD compares: Non-Finnish European, 0.00051%; no homozygotes.

Submission:

GeneDx
Classification: Uncertain significance. Last evaluated: 2024-11-21. Review status: criteria provided, single submitter. Criteria: GeneDx Variant Classification Process June 2021. Collection method: clinical testing. Allele origin: germline. Affected: yes.
Comment: Not observed at significant frequency in large population cohorts (gnomAD); In silico analysis indicates that this missense variant does not alter protein structure/function; Has not been previously published as pathogenic or benign to our knowledge